The following is an entry in ClinVar:

NM_172351.3(CD46):c.828G>A (p.Trp276Ter)

Gene: CD46 (CD46 molecule; plus strand). Cytogenetic location: 1q32.2.
Variant type: single nucleotide variant.
Coding change: c.828G>A on transcript NM_172351.3 (MANE Select); coding-DNA position 828, G replaced by A.
Protein change: p.Trp276Ter; replaces tryptophan 276 with a stop codon.
Molecular consequence: nonsense.
Genome position (GRCh38, 1-based): chr1:207,767,167, G>A. VCF-style: chr1-207767167-G-A. GRCh37 (hg19) VCF-style: chr1-207940512-G-A.
Other names: c.828G>A, p.Trp276Ter (NM_002389.4, NM_153826.4, NM_172350.3 and 8 more transcripts); short protein forms W276*.
Identifiers: ClinVar variation 829863 (VCV000829863.6), dbSNP rs1571617647, ClinGen allele CA344551104.
Genomic context (GRCh38, chr1:207,767,167, plus strand): 5'-CGATAAGGGTTTTTACCTCGATGGCAGCGACACAATTGTCTGTGACAGTAACAGTACTTG[G>A]GATCCCCCAGTTCCAAAGTGTCTTAAAGGTACAAAGGTTATCTTTTTTCTGTCTTGGTTT-3'

ClinVar aggregate classification (germline): Pathogenic. Review status: criteria provided, multiple submitters, no conflicts (2 of 4 stars). 3 submissions from 3 submitters: Pathogenic (2). 1 of the submissions does not count toward it. Last evaluated 2025-10-02.

Conditions:
Atypical hemolytic-uremic syndrome with MCP/CD46 anomaly. Also called: HEMOLYTIC UREMIC SYNDROME, ATYPICAL, SUSCEPTIBILITY TO, 2; AHUS, SUSCEPTIBILITY TO, 2. Identifiers: Orphanet 2134, MedGen C2752040, MONDO:0013040, OMIM 612922.
Atypical hemolytic-uremic syndrome. Identifiers: Orphanet 2134, MedGen C2931788, MONDO:0016244.

Submissions (3):

Genomenon, Inc
Classification: Pathogenic for Atypical hemolytic-uremic syndrome. Last evaluated: 2025-10-02. Review status: criteria provided, single submitter. Criteria: Genomenon Sequence Variant Interpretation Standards. Collection method: curation. Allele origin: germline. Affected: yes.
Comment: CD46 p.Trp276Ter (c.828G>A) is a nonsense variant that introduces a premature stop codon at amino acid position 276, creating a truncated protein that is predicted to undergo nonsense-mediated mRNA decay. This variant has been observed in at least one proband affected with atypical hemolytic-uremic syndrome (PMID:32424742). It is absent or not present at a significant frequency in gnomAD. In conclusion, we classify CD46 p.Trp276Ter (c.828G>A) as a pathogenic variant.

Labcorp Genetics (formerly Invitae), Labcorp
Classification: Pathogenic. Last evaluated: 2025-01-07. Review status: criteria provided, single submitter. Criteria: Invitae Variant Classification Sherloc (09022015). Collection method: clinical testing. Allele origin: germline.
Comment: This sequence change creates a premature translational stop signal (p.Trp276*) in the CD46 gene. It is expected to result in an absent or disrupted protein product. Loss-of-function variants in CD46 are known to be pathogenic (PMID: 16621965, 23431077). This variant is not present in population databases (gnomAD no frequency). This premature translational stop signal has been observed in individual(s) with clinical features of atypical hemolytic uremic syndrome (PMID: 32424742). ClinVar contains an entry for this variant (Variation ID: 829863). For these reasons, this variant has been classified as Pathogenic.

Bioscientia Institut fuer Medizinische Diagnostik GmbH, Sonic Healthcare
Classification: Pathogenic for Atypical hemolytic-uremic syndrome with MCP/CD46 anomaly. Last evaluated: 2019-06-05. Review status: no assertion criteria provided. Collection method: clinical testing. Allele origin: germline. Affected: yes. Not counted in ClinVar's aggregate classification.

Literature cited by the submitters: PubMed 32424742 (cited by Genomenon, Inc and Labcorp Genetics (formerly Invitae), Labcorp); PubMed 16621965 (cited by Labcorp Genetics (formerly Invitae), Labcorp); PubMed 23431077 (cited by Labcorp Genetics (formerly Invitae), Labcorp).